The following is an entry in ClinVar:

NM_016222.4(DDX41):c.1441G>A (p.Gly481Ser)

Gene: DDX41 (DEAD-box helicase 41; minus strand). Cytogenetic location: 5q35.3.
Variant type: single nucleotide variant.
Coding change: c.1441G>A on transcript NM_016222.4 (MANE Select); coding-DNA position 1441, G replaced by A.
Protein change: p.Gly481Ser; replaces glycine 481 with serine.
Molecular consequence: missense variant.
Genome position (GRCh38, 1-based): chr5:177,512,604, C>T on the plus strand (G>A on the coding strand, the complement: DDX41 is on the minus strand). VCF-style: chr5-177512604-C-T. GRCh37 (hg19) VCF-style: chr5-176939605-C-T.
Other names: c.1063G>A, p.Gly355Ser (NM_001321732.2, NM_001321830.2); c.1441G>A (NM_016222.2); short protein forms G481S, G355S.
Identifiers: ClinVar variation 2784023 (VCV002784023.4), dbSNP rs780011110, ClinGen allele CA3584738.
Genomic context (GRCh38, chr5:177,512,604, plus strand): 5'-TGGCAGGGAAGTCCAGGCCCTTGGAGGCAACGTCTGTGGCTACTAGGACATCCTTCTTGC[C>T]CTCCCGGAATGCCTCGATGGCCTTAGTCCGTTCCTCCTGGTCTGGGGAGGGTCAGGCAGA-3'
Protein context (NP_057306.2, residues 471-491): RTKAIEAFRE[Gly481Ser]KKDVLVATDV

ClinVar aggregate classification (germline): Uncertain significance. Review status: criteria provided, multiple submitters, no conflicts (2 of 4 stars). 2 submissions from 2 submitters: Uncertain significance (2). Last evaluated 2025-04-10.

Conditions:
Inborn genetic diseases. Identifiers: MedGen C0950123, MeSH D030342.

Allele frequency attached by ClinVar (database versions not stated): gnomAD exomes below 0.00001; ExAC 0.00001.

Submissions (2):

Ambry Genetics
Classification: Uncertain significance for Inborn genetic diseases. Last evaluated: 2025-04-10. Review status: criteria provided, single submitter. Criteria: Ambry Variant Classification Scheme 2023. Collection method: clinical testing. Allele origin: germline.
Comment: The p.G481S variant (also known as c.1441G>A), located in coding exon 14 of the DDX41 gene, results from a G to A substitution at nucleotide position 1441. The glycine at codon 481 is replaced by serine, an amino acid with similar properties. This amino acid position is conserved. In addition, the in silico prediction for this alteration is inconclusive. Based on the available evidence, the clinical significance of this variant remains unclear.

Labcorp Genetics (formerly Invitae), Labcorp
Classification: Uncertain significance. Last evaluated: 2024-04-22. Review status: criteria provided, single submitter. Criteria: Invitae Variant Classification Sherloc (09022015). Collection method: clinical testing. Allele origin: germline.
Comment: This sequence change replaces glycine, which is neutral and non-polar, with serine, which is neutral and polar, at codon 481 of the DDX41 protein (p.Gly481Ser). This variant is present in population databases (rs780011110, gnomAD 0.0009%). This variant has not been reported in the literature in individuals affected with DDX41-related conditions. An algorithm developed to predict the effect of missense changes on protein structure and function (PolyPhen-2) suggests that this variant is likely to be tolerated. In summary, the available evidence is currently insufficient to determine the role of this variant in disease. Therefore, it has been classified as a Variant of Uncertain Significance.